The following is an entry in ClinVar:

NM_012470.4(TNPO3):c.1846G>C (p.Ala616Pro)

Gene: TNPO3 (transportin 3; minus strand). Cytogenetic location: 7q32.1.
Variant type: single nucleotide variant.
Coding change: c.1846G>C on transcript NM_012470.4 (MANE Select); coding-DNA position 1846, G replaced by C.
Protein change: p.Ala616Pro; replaces alanine 616 with proline.
Molecular consequence: missense variant. On other transcripts: non-coding transcript variant (16).
Genome position (GRCh38, 1-based): chr7:128,982,261, C>G on the plus strand (G>C on the coding strand, the complement: TNPO3 is on the minus strand). VCF-style: chr7-128982261-C-G. GRCh37 (hg19) VCF-style: chr7-128622315-C-G.
Other names: c.1654G>C, p.Ala552Pro (NM_001191028.3, NM_001382223.1); c.1948G>C, p.Ala650Pro (NM_001382216.1); c.1927G>C, p.Ala643Pro (NM_001382217.1); c.1846G>C, p.Ala616Pro (NM_001382218.1, NM_001382220.1); c.1738G>C, p.Ala580Pro (NM_001382219.1); c.1702G>C, p.Ala568Pro (NM_001382221.1); c.1699G>C, p.Ala567Pro (NM_001382222.1); short protein forms A552P, A567P, A568P, A580P, A616P, A643P, A650P.
Identifiers: ClinVar variation 3765688 (VCV003765688.1).

ClinVar aggregate classification (germline): Uncertain significance (1 of 4 stars; one submission).

Submission:

Greenwood Genetic Center Diagnostic Laboratories, Greenwood Genetic Center
Classification: Uncertain significance. Last evaluated: 2024-10-03. Review status: criteria provided, single submitter. Criteria: ACMG Guidelines, 2015. Collection method: clinical testing. Allele origin: germline. Affected: yes.
Comment: PM2, PP3